The following is an entry in ClinVar:

ClinVar aggregate classification (germline): Uncertain significance (1 of 4 stars; one submission).

Conditions:
Weiss-Kruszka syndrome. Also called: Metopic ridging-ptosis-facial dysmorphism syndrome. Identifiers: Orphanet 502430, MedGen C5568107, MONDO:0032836, OMIM 618619.

Allele frequency attached by ClinVar (database versions not stated): gnomAD exomes below 0.00001.
gnomAD v4.1: 3 of 1,613,608 alleles (0.00019%); highest among the groups gnomAD compares: Non-Finnish European, 0.00025%; no homozygotes.

Submission:

Victorian Clinical Genetics Services, Murdoch Childrens Research Institute
Classification: Uncertain significance for Weiss-Kruszka syndrome. Last evaluated: 2020-05-26. Review status: criteria provided, single submitter. Criteria: ACMG Guidelines, 2015. Collection method: clinical testing. Allele origin: germline. Inheritance: Autosomal dominant inheritance. Affected: yes.
Comment: Based on the classification scheme VCGS_Germline_v1.1.1, this variant is classified as VUS – 3B. Following criteria are met: 0102 - Loss-of-function is a known mechanism of disease for this gene. (N) 0107 - This gene is known to be associated with autosomal dominant disease. (N) 0200 - Variant is predicted to result in a missense amino acid change from alanine to valine (exon 6). (N) 0251 - Variant is heterozygous. (N) 0301 - Variant is absent from gnomAD. (P) 0502 - Missense variant with conflicting in silico predictions and/or uninformative conservation. (N) 0600 - Variant is located in an annotated domain or motif, (putative nucleic acid binding site within the C2H2-like zinc finger domain; NCBI). (N) 0705 - No comparable variants have previous evidence for pathogenicity. (N) 0807 - Variant has not previously been reported in a clinical context. (N) 0905 - No segregation evidence has been identified for this variant. (N) 1007 - No published functional evidence has been identified for this variant. (N) 1208 - Inheritance information for this variant is not currently available. (N) Legend: (P) - Pathogenic, (N) - Neutral, (B) - Benign

NM_021224.6(ZNF462):c.6227C>T (p.Ala2076Val)

Gene: ZNF462 (zinc finger protein 462; plus strand). Cytogenetic location: 9q31.2.
Variant type: single nucleotide variant.
Coding change: c.6227C>T on transcript NM_021224.6 (MANE Select); coding-DNA position 6227, C replaced by T.
Protein change: p.Ala2076Val; replaces alanine 2076 with valine.
Molecular consequence: missense variant.
Genome position (GRCh38, 1-based): chr9:106,935,613, C>T. VCF-style: chr9-106935613-C-T. GRCh37 (hg19) VCF-style: chr9-109697894-C-T.
Other names: c.3632C>T, p.Ala1211Val (NM_001347997.2); short protein forms A1211V, A2076V.
Identifiers: ClinVar variation 1806053 (VCV001806053.1), dbSNP rs2538894379, ClinGen allele CA374425217.